The following is an entry in ClinVar:

ClinVar aggregate classification (germline): Uncertain significance. Review status: criteria provided, multiple submitters, no conflicts (2 of 4 stars). 2 submissions from 2 submitters: Uncertain significance (2). Last evaluated 2025-08-02.

Conditions:
Brachyolmia-amelogenesis imperfecta syndrome. Also called: PLATYSPONDYLY WITH AMELOGENESIS IMPERFECTA; Tooth agenesis, selective, 6; Dental anomalies and short stature. Identifiers: Orphanet 2899, MedGen C1832594, MONDO:0011018, OMIM 601216. Disease mechanism: loss of function.
Inborn genetic diseases. Identifiers: MedGen C0950123, MeSH D030342.

Allele frequency attached by ClinVar (database versions not stated): gnomAD 0.00005; ExAC 0.00006; gnomAD exomes 0.00006; 1000 Genomes Project 30x 0.00047; 1000 Genomes Project 0.00060.
gnomAD v4.1: 97 of 1,614,120 alleles (0.006%); highest among the groups gnomAD compares: South Asian, 0.096%; no homozygotes.

Submissions (2):

Ambry Genetics
Classification: Uncertain significance for Inborn genetic diseases. Last evaluated: 2025-08-02. Review status: criteria provided, single submitter. Criteria: Ambry Variant Classification Scheme 2023. Collection method: clinical testing. Allele origin: germline.

Labcorp Genetics (formerly Invitae), Labcorp
Classification: Uncertain significance for Brachyolmia-amelogenesis imperfecta syndrome. Last evaluated: 2025-02-04. Review status: criteria provided, single submitter. Criteria: Invitae Variant Classification Sherloc (09022015). Collection method: clinical testing. Allele origin: germline.
Comment: This sequence change replaces leucine, which is neutral and non-polar, with valine, which is neutral and non-polar, at codon 812 of the LTBP3 protein (p.Leu812Val). This variant is present in population databases (rs557226808, gnomAD 0.05%). This variant has not been reported in the literature in individuals affected with LTBP3-related conditions. ClinVar contains an entry for this variant (Variation ID: 2038631). An algorithm developed to predict the effect of missense changes on protein structure and function (PolyPhen-2) suggests that this variant is likely to be tolerated. In summary, the available evidence is currently insufficient to determine the role of this variant in disease. Therefore, it has been classified as a Variant of Uncertain Significance.

NM_001130144.3(LTBP3):c.2434C>G (p.Leu812Val)

Gene: LTBP3 (latent transforming growth factor beta binding protein 3; minus strand). Cytogenetic location: 11q13.1.
Variant type: single nucleotide variant.
Coding change: c.2434C>G on transcript NM_001130144.3 (MANE Select); coding-DNA position 2434, C replaced by G.
Protein change: p.Leu812Val; replaces leucine 812 with valine.
Molecular consequence: missense variant.
Genome position (GRCh38, 1-based): chr11:65,543,469, G>C on the plus strand (C>G on the coding strand, the complement: LTBP3 is on the minus strand). VCF-style: chr11-65543469-G-C. GRCh37 (hg19) VCF-style: chr11-65310940-G-C.
Other names: c.2083C>G, p.Leu695Val (NM_001164266.1); c.2434C>G, p.Leu812Val (NM_021070.4); c.2434C>G (NM_001130144.2); short protein forms L812V, L695V.
Identifiers: ClinVar variation 2038631 (VCV002038631.6), dbSNP rs557226808, ClinGen allele CA6100617.